The following is an entry in ClinVar:

ClinVar aggregate classification (germline): Uncertain significance (1 of 4 stars; one submission).

Submission:

Labcorp Genetics (formerly Invitae), Labcorp
Classification: Uncertain significance. Last evaluated: 2022-09-01. Review status: criteria provided, single submitter. Criteria: Invitae Variant Classification Sherloc (09022015). Collection method: clinical testing. Allele origin: germline.
Comment: In summary, the available evidence is currently insufficient to determine the role of this variant in disease. Therefore, it has been classified as a Variant of Uncertain Significance. Algorithms developed to predict the effect of missense changes on protein structure and function are either unavailable or do not agree on the potential impact of this missense change (SIFT: "Not Available"; PolyPhen-2: "Probably Damaging"; Align-GVGD: "Not Available"). This variant has not been reported in the literature in individuals affected with VPS13D-related conditions. This variant is not present in population databases (gnomAD no frequency). This sequence change replaces leucine, which is neutral and non-polar, with valine, which is neutral and non-polar, at codon 2734 of the VPS13D protein (p.Leu2734Val).

NM_015378.4(VPS13D):c.8200C>G (p.Leu2734Val)

Gene: VPS13D (vacuolar protein sorting 13 homolog D; plus strand). Cytogenetic location: 1p36.22.
Variant type: single nucleotide variant.
Coding change: c.8200C>G on transcript NM_015378.4 (MANE Select); coding-DNA position 8200, C replaced by G.
Protein change: p.Leu2734Val; replaces leucine 2734 with valine.
Molecular consequence: missense variant.
Genome position (GRCh38, 1-based): chr1:12,329,831, C>G. VCF-style: chr1-12329831-C-G. GRCh37 (hg19) VCF-style: chr1-12389888-C-G.
Other names: c.8200C>G, p.Leu2734Val (NM_018156.4); short protein forms L2734V.
Identifiers: ClinVar variation 2109319 (VCV002109319.4), dbSNP rs775955233, ClinGen allele CA338486140.